The following is an entry in ClinVar:

NM_000268.4(NF2):c.675+1del

Gene: NF2 (NF2, moesin-ezrin-radixin like (MERLIN) tumor suppressor; plus strand). Cytogenetic location: 22q12.2.
Variant type: Deletion.
Coding change: c.675+1del on transcript NM_000268.4 (MANE Select); the canonical splice donor site of the intron after coding-DNA position 675, one base deleted (G; older notation c.675+1delG).
Molecular consequence: splice donor variant. On other transcripts: intron variant (1).
Genome position (GRCh38, 1-based): chr22:29,658,265, G deleted; the last of 3 consecutive G bases (chr22:29,658,263-29,658,265); deleting any one gives the same sequence. VCF-style (leftmost placement, unchanged base first): chr22-29658262-CG-C. GRCh37 (hg19) VCF-style: chr22-30054251-CG-C.
Other names: c.675+1del (NM_016418.5, NM_181832.3, NM_001407060.1 and 4 more transcripts); c.561+1del (NM_001407056.1, NM_001407053.1); c.444+1del (NM_001407067.1); c.141+1del (NM_001407065.1); c.447+15980del (NM_181833.3); c.552+1del (NM_001407058.1, NM_181829.3, NM_001407054.1 and 1 more transcripts); c.549+1del (NM_181828.3, NM_001407055.1); c.426+1del (NM_001407063.1, NM_181830.3, NM_001407064.1 and 1 more transcripts).
Identifiers: ClinVar variation 1067241 (VCV001067241.9), dbSNP rs2146990961, ClinGen allele CA2499226122.
Genomic context (GRCh38, chr22:29,658,262, plus strand): 5'-ATGGAATATCTGAAGATAGCTCAGGACCTGGAGATGTACGGTGTGAACTACTTTGCAATC[CG>C]GGTGTGTTGAAACCTCTCTGAGCTCCTTGTGTAGTAGACAGAGACTGAGTGAGGGCCAGA-3'

ClinVar aggregate classification (germline): Likely pathogenic (1 of 4 stars; one submission).

Conditions:
Neurofibromatosis, type 2 (SWNV). Also called: BILATERAL ACOUSTIC NEUROFIBROMATOSIS; NF2-Related Schwannomatosis; SCHWANNOMATOSIS, VESTIBULAR. Identifiers: Orphanet 637, MedGen C0027832, MONDO:0007039, OMIM 101000. Disease mechanism: loss of function.

Submission:

Labcorp Genetics (formerly Invitae), Labcorp
Classification: Likely pathogenic for Neurofibromatosis, type 2. Last evaluated: 2020-08-16. Review status: criteria provided, single submitter. Criteria: Invitae Variant Classification Sherloc (09022015). Collection method: clinical testing. Allele origin: germline.
Comment: This variant is not present in population databases (ExAC no frequency). Disruption of this splice site has been observed in individual(s) with clinical features of neurofibromatosis type 2 (PMID: 7535084). Algorithms developed to predict the effect of sequence changes on RNA splicing suggest that this variant may disrupt the consensus splice site, but this prediction has not been confirmed by published transcriptional studies. Donor and acceptor splice site variants typically lead to a loss of protein function (PMID: 16199547), and loss-of-function variants in NF2 are known to be pathogenic (PMID: 9643284, 16983642). In summary, the currently available evidence indicates that the variant is pathogenic, but additional data are needed to prove that conclusively. Therefore, this variant has been classified as Likely Pathogenic. This sequence change affects a donor splice site in intron 7 of the NF2 gene. It is expected to disrupt RNA splicing and likely results in an absent or disrupted protein product.

Literature cited by the submitters: PubMed 7535084; PubMed 16199547; PubMed 9643284; PubMed 16983642.